The following is an entry in ClinVar:

NM_004006.3(DMD):c.5729_5733del (p.Arg1910fs)

Gene: DMD (dystrophin; minus strand). Cytogenetic location: Xp21.1.
Variant type: Deletion.
Coding change: c.5729_5733del on transcript NM_004006.3 (MANE Select); coding-DNA positions 5729 to 5733, 5 bases deleted (GGAAA; older notation c.5729_5733delGGAAA).
Protein change: p.Arg1910fs; shifts the reading frame from arginine 1910.
Molecular consequence: frameshift variant.
Genome position (GRCh38, 1-based): chrX:32,343,140-32,343,144, TTTCC deleted on the plus strand (GGAAA on the coding strand, the reverse complement: DMD is on the minus strand); deleting any 5 consecutive bases within chrX:32,343,140-32,343,148 gives the same sequence; the c. name uses the placement nearest the transcript's 3' end. VCF-style (leftmost placement, unchanged base first): chrX-32343139-TTTTCC-T. GRCh37 (hg19) VCF-style: chrX-32361256-TTTTCC-T.
Other names: c.5729_5733del (NM_004006.2); c.5705_5709del, p.Arg1902fs (NM_000109.4); c.5717_5721del, p.Arg1906fs (NM_004009.3); c.5360_5364del, p.Arg1787fs (NM_004010.3); c.1706_1710del, p.Arg569fs (NM_004011.4); c.1697_1701del, p.Arg566fs (NM_004012.4); short protein forms R1787fs, R1906fs, R1910fs, R1902fs, R566fs, R569fs.
Identifiers: ClinVar variation 593021 (VCV000593021.14), dbSNP rs1569558953, ClinGen allele CA913191127.

ClinVar aggregate classification (germline): Pathogenic/Likely pathogenic. Review status: criteria provided, multiple submitters, no conflicts (2 of 4 stars). 4 submissions from 4 submitters: Pathogenic (2); Likely pathogenic (2). Last evaluated 2024-09-04.

Conditions:
Becker muscular dystrophy (BMD). Also called: MUSCULAR DYSTROPHY, PSEUDOHYPERTROPHIC PROGRESSIVE, BECKER TYPE; Becker Muscular Dystrophy (BMD). Identifiers: Orphanet 98895, MedGen C0917713, MONDO:0010311, OMIM 300376.
Duchenne muscular dystrophy (DMD). Also called: MUSCULAR DYSTROPHY, PSEUDOHYPERTROPHIC PROGRESSIVE, DUCHENNE TYPE; Duchenne Muscular Dystrophy (DMD). Identifiers: Orphanet 98896, MedGen C0013264, MONDO:0010679, OMIM 310200.

Submissions (4):

Revvity Omics, Revvity
Classification: Likely pathogenic. Last evaluated: 2024-09-04. Review status: criteria provided, single submitter. Criteria: ACMG Guidelines, 2015. Collection method: clinical testing. Allele origin: germline.

Baylor Genetics
Classification: Likely pathogenic for Becker muscular dystrophy. Last evaluated: 2023-03-25. Review status: criteria provided, single submitter. Criteria: ACMG Guidelines, 2015. Collection method: clinical testing. Allele origin: unknown.

Labcorp Genetics (formerly Invitae), Labcorp
Classification: Pathogenic for Duchenne muscular dystrophy. Last evaluated: 2022-06-10. Review status: criteria provided, single submitter. Criteria: Invitae Variant Classification Sherloc (09022015). Collection method: clinical testing. Allele origin: germline.
Comment: For these reasons, this variant has been classified as Pathogenic. ClinVar contains an entry for this variant (Variation ID: 593021). This variant has not been reported in the literature in individuals affected with DMD-related conditions. This variant is not present in population databases (gnomAD no frequency). This sequence change creates a premature translational stop signal (p.Arg1910Asnfs*5) in the DMD gene. It is expected to result in an absent or disrupted protein product. Loss-of-function variants in DMD are known to be pathogenic (PMID: 16770791, 25007885).

Eurofins Ntd Llc (ga)
Classification: Pathogenic. Last evaluated: 2017-07-14. Review status: criteria provided, single submitter. Criteria: EGL Classification Definitions 2015. Collection method: clinical testing. Allele origin: germline. Observed: 2 variant alleles, 1 heterozygote, 1 hemizygote.

Literature cited by the submitters: PubMed 16770791 (cited by Labcorp Genetics (formerly Invitae), Labcorp); PubMed 25007885 (cited by Labcorp Genetics (formerly Invitae), Labcorp).